The following is an entry in ClinVar:

ClinVar aggregate classification (germline): Uncertain significance. Review status: criteria provided, multiple submitters, no conflicts (2 of 4 stars). 2 submissions from 2 submitters: Uncertain significance (2). Last evaluated 2026-08-17.

Conditions:
Inborn genetic diseases. Identifiers: MedGen C0950123, MeSH D030342.

Allele frequency attached by ClinVar (database versions not stated): gnomAD exomes below 0.00001; ExAC 0.00001; TOPMed 0.00001.
gnomAD v4.1: 1 of 1,613,416 alleles (0.000062%); highest among the groups gnomAD compares: Non-Finnish European, 0.000085%; no homozygotes.

Submissions (2):

Ambry Genetics
Classification: Uncertain significance for Inborn genetic diseases. Last evaluated: 2026-08-17. Review status: criteria provided, single submitter. Criteria: Ambry Variant Classification Scheme 2023. Collection method: clinical testing. Allele origin: germline.
Comment: The c.2281G>A (p.G761R) alteration is located in exon 15 (coding exon 15) of the EHMT1 gene. This alteration results from a G to A substitution at nucleotide position 2281, causing the glycine (G) at amino acid position 761 to be replaced by an arginine (R). Based on data from gnomAD, the A allele has an overall frequency of <0.001% (1/250322) total alleles studied. The highest observed frequency was <0.001% (/) of alleles. Based on insufficient or conflicting evidence, the clinical significance of this alteration remains unclear.

GeneDx
Classification: Uncertain significance. Last evaluated: 2025-01-08. Review status: criteria provided, single submitter. Criteria: GeneDx Variant Classification Process June 2021. Collection method: clinical testing. Allele origin: germline.
Comment: In silico analysis supports that this missense variant has a deleterious effect on protein structure/function; Has not been previously published as pathogenic or benign to our knowledge

NM_024757.5(EHMT1):c.2281G>A (p.Gly761Arg)

Gene: EHMT1 (euchromatic histone lysine methyltransferase 1; plus strand). Cytogenetic location: 9q34.3.
Variant type: single nucleotide variant.
Coding change: c.2281G>A on transcript NM_024757.5 (MANE Select); coding-DNA position 2281, G replaced by A.
Protein change: p.Gly761Arg; replaces glycine 761 with arginine.
Molecular consequence: missense variant.
Genome position (GRCh38, 1-based): chr9:137,782,296, G>A. VCF-style: chr9-137782296-G-A. GRCh37 (hg19) VCF-style: chr9-140676748-G-A.
Other names: c.2281G>A, p.Gly761Arg (NM_001145527.2); c.2188G>A, p.Gly730Arg (NM_001354259.2); c.2260G>A, p.Gly754Arg (NM_001354263.2); short protein forms G730R, G754R, G761R.
Identifiers: ClinVar variation 2661985 (VCV002661985.3), dbSNP rs775617869, ClinGen allele CA5374892.